The following is an entry in ClinVar:

NM_006279.5(ST3GAL3):c.646dup (p.Arg216fs)

Gene: ST3GAL3 (ST3 beta-galactoside alpha-2,3-sialyltransferase 3; plus strand). Cytogenetic location: 1p34.1.
Variant type: Duplication.
Coding change: c.646dup on transcript NM_006279.5 (MANE Select); coding-DNA position 646, one base duplicated (C; older notation c.646dupC).
Protein change: p.Arg216fs; shifts the reading frame from arginine 216.
Molecular consequence: frameshift variant. On other transcripts: non-coding transcript variant (5), intron variant (7).
Genome position (GRCh38, 1-based): chr1:43,899,629, C duplicated. VCF-style (leftmost placement, unchanged base first): chr1-43899628-G-GC. GRCh37 (hg19) VCF-style: chr1-44365300-G-GC.
Other names: c.646dup, p.Arg216fs (NM_001270459.2, NM_001350620.2, NM_174966.4); c.553dup, p.Arg185fs (NM_001270460.2); c.598dup, p.Arg200fs (NM_001270461.3, NM_001410781.1, NM_174969.4); c.505dup, p.Arg169fs (NM_001270462.3); c.691dup, p.Arg231fs (NM_001350619.2, NM_174964.4); c.367dup, p.Arg123fs (NM_001350621.2); c.808dup, p.Arg270fs (NM_001363573.2, NM_174968.5); c.853dup, p.Arg285fs (NM_174963.5); and 9 more; short protein forms R123fs, R169fs, R185fs, R200fs, R216fs, R231fs, R254fs, R270fs.
Identifiers: ClinVar variation 3896338 (VCV003896338.2).

ClinVar aggregate classification (germline): Pathogenic (1 of 4 stars; one submission).

Conditions:
ST3GAL3-related disorder. Also called: ST3GAL3-related condition; ST3GAL3-Related Disorders.

Submission:

Women's Health and Genetics/Laboratory Corporation of America, LabCorp
Classification: Pathogenic for ST3GAL3-Related Disorders. Last evaluated: 2025-04-10. Review status: criteria provided, single submitter. Criteria: LabCorp Variant Classification Summary - May 2015. Collection method: clinical testing. Allele origin: germline.
Comment: Variant summary: ST3GAL3 c.646dupC (p.Arg216ProfsX3) results in a premature termination codon, predicted to cause a truncation of the encoded protein or absence of the protein due to nonsense mediated decay, which are commonly known mechanisms for disease. The variant was absent in 251386 control chromosomes (gnomAD). To our knowledge, no occurrence of c.646dupC in individuals affected with ST3GAL3-Related Disorders and no experimental evidence demonstrating its impact on protein function have been reported. No submitters have cited clinical-significance assessments for this variant to ClinVar. Based on the evidence outlined above, the variant was classified as pathogenic.